The following is an entry in ClinVar:

NM_001844.5(COL2A1):c.3757dup (p.Ala1253fs)

Gene: COL2A1 (collagen type II alpha 1 chain; minus strand). Cytogenetic location: 12q13.11.
Variant type: Duplication.
Coding change: c.3757dup on transcript NM_001844.5 (MANE Select); coding-DNA position 3757, one base duplicated (G; older notation c.3757dupG).
Protein change: p.Ala1253fs; shifts the reading frame from alanine 1253.
Molecular consequence: frameshift variant.
Genome position (GRCh38, 1-based): chr12:47,975,446, C duplicated on the plus strand (G on the coding strand, the reverse complement: COL2A1 is on the minus strand). VCF-style (leftmost placement, unchanged base first): chr12-47975445-G-GC. GRCh37 (hg19) VCF-style: chr12-48369228-G-GC.
Other names: c.3550dup, p.Ala1184fs (NM_033150.3); short protein forms A1184fs, A1253fs.
Identifiers: ClinVar variation 1065720 (VCV001065720.1), dbSNP rs2136511549, ClinGen allele CA2499221649.

ClinVar aggregate classification (germline): Likely pathogenic (1 of 4 stars; one submission).

Conditions:
Stickler syndrome, type I, nonsyndromic ocular. Also called: STICKLER SYNDROME, ATYPICAL; STICKLER SYNDROME, TYPE I, PREDOMINANTLY OCULAR. Identifiers: MedGen C1836080, MONDO:0012287, OMIM 609508.

Submission:

Ocular Genomics Institute, Massachusetts Eye and Ear
Classification: Likely pathogenic for Stickler syndrome, type I, nonsyndromic ocular. Last evaluated: 2021-04-08. Review status: criteria provided, single submitter. Criteria: ACMG Guidelines, 2015. Collection method: research. Allele origin: germline. Affected: yes.
Comment: Through a review of available evidence we were able to apply the following criteria: PVS1, PM2. Based on this evidence we have classified this variant as Likely Pathogenic.